The following is an entry in ClinVar:

NM_133259.4(LRPPRC):c.3411T>C (p.Pro1137=)

Gene: LRPPRC (leucine rich pentatricopeptide repeat containing; minus strand). Cytogenetic location: 2p21.
Variant type: single nucleotide variant.
Coding change: c.3411T>C on transcript NM_133259.4 (MANE Select); coding-DNA position 3411, T replaced by C.
Protein change: p.Pro1137=; no amino-acid change (proline 1137 retained).
Molecular consequence: synonymous variant.
Genome position (GRCh38, 1-based): chr2:43,901,478, A>G on the plus strand (T>C on the coding strand, the complement: LRPPRC is on the minus strand). VCF-style: chr2-43901478-A-G. GRCh37 (hg19) VCF-style: chr2-44128617-A-G.
Identifiers: ClinVar variation 741473 (VCV000741473.14), dbSNP rs765813800, ClinGen allele CA1638060.

ClinVar aggregate classification (germline): Likely benign. Review status: criteria provided, single submitter (1 of 4 stars). 3 submissions from 3 submitters: Likely benign (1). 2 of the submissions do not count toward it. Last evaluated 2026-01-28.

Conditions:
Congenital lactic acidosis, Saguenay-Lac-Saint-Jean type (MC4DN5). Also called: MITOCHONDRIAL COMPLEX IV DEFICIENCY, NUCLEAR TYPE 5; CYTOCHROME c OXIDASE DEFICIENCY, FRENCH CANADIAN TYPE; COX DEFICIENCY, FRENCH CANADIAN TYPE. Identifiers: Orphanet 70472, MedGen C1857355, MONDO:0009069, OMIM 220111.
LRPPRC-related disorder. Also called: LRPPRC-related condition.

Allele frequency attached by ClinVar (database versions not stated): ExAC 0.00001; gnomAD exomes 0.00001 and 0.00002; gnomAD 0.00002 and 0.00003; TOPMed 0.00005.
gnomAD v4.1: 9 of 1,613,956 alleles (0.00056%); highest among the groups gnomAD compares: Admixed American, 0.013%; no homozygotes.

Submissions (3):

Labcorp Genetics (formerly Invitae), Labcorp
Classification: Likely benign. Last evaluated: 2026-01-28. Review status: criteria provided, single submitter. Criteria: Invitae Variant Classification Sherloc (09022015). Collection method: clinical testing. Allele origin: germline.

PreventionGenetics, part of Exact Sciences
Classification: Likely benign for LRPPRC-related condition. Last evaluated: 2023-01-27. Review status: no assertion criteria provided. Collection method: clinical testing. Allele origin: germline. Not counted in ClinVar's aggregate classification.
Comment: This variant is classified as likely benign based on ACMG/AMP sequence variant interpretation guidelines (Richards et al. 2015 PMID: 25741868, with internal and published modifications).

Natera, Inc.
Classification: Likely benign for French-Canadian type Leigh syndrome. Last evaluated: 2020-09-28. Review status: no assertion criteria provided. Collection method: clinical testing. Allele origin: germline. Not counted in ClinVar's aggregate classification.